The following is an entry in ClinVar:

ClinVar aggregate classification (germline): Uncertain significance (1 of 4 stars; one submission).

Conditions:
Inborn genetic diseases. Identifiers: MedGen C0950123, MeSH D030342.

Submission:

Ambry Genetics
Classification: Uncertain significance for Inborn genetic diseases. Last evaluated: 2025-03-08. Review status: criteria provided, single submitter. Criteria: Ambry Variant Classification Scheme 2023. Collection method: clinical testing. Allele origin: germline.
Comment: The p.K1025R variant (also known as c.3074A>G), located in coding exon 13 of the ASXL1 gene, results from an A to G substitution at nucleotide position 3074. The lysine at codon 1025 is replaced by arginine, an amino acid with highly similar properties. This amino acid position is conserved. In addition, this alteration is predicted to be tolerated by in silico analysis. Based on the available evidence, the clinical significance of this variant remains unclear.

NM_015338.6(ASXL1):c.3074A>G (p.Lys1025Arg)

Gene: ASXL1 (ASXL transcriptional regulator 1; plus strand). Cytogenetic location: 20q11.21.
Variant type: single nucleotide variant.
Coding change: c.3074A>G on transcript NM_015338.6 (MANE Select); coding-DNA position 3074, A replaced by G.
Protein change: p.Lys1025Arg; replaces lysine 1025 with arginine.
Molecular consequence: missense variant.
Genome position (GRCh38, 1-based): chr20:32,435,786, A>G. VCF-style: chr20-32435786-A-G. GRCh37 (hg19) VCF-style: chr20-31023589-A-G.
Other names: c.2891A>G, p.Lys964Arg (NM_001363734.1); short protein forms K1025R, K964R.
Identifiers: ClinVar variation 3794214 (VCV003794214.1).